The following is an entry in ClinVar:

NM_001202.6(BMP4):c.560C>T (p.Pro187Leu)

Gene: BMP4 (bone morphogenetic protein 4; minus strand). Cytogenetic location: 14q22.2.
Variant type: single nucleotide variant.
Coding change: c.560C>T on transcript NM_001202.6 (MANE Select); coding-DNA position 560, C replaced by T.
Protein change: p.Pro187Leu; replaces proline 187 with leucine.
Molecular consequence: missense variant.
Genome position (GRCh38, 1-based): chr14:53,950,699, G>A on the plus strand (C>T on the coding strand, the complement: BMP4 is on the minus strand). VCF-style: chr14-53950699-G-A. GRCh37 (hg19) VCF-style: chr14-54417417-G-A.
Other names: c.701C>T, p.Pro234Leu (NM_001347912.1); c.371C>T, p.Pro124Leu (NM_001347913.2, NM_001347915.2, NM_001347917.1); c.560C>T, p.Pro187Leu (NM_001347914.2, NM_001347916.1, NM_130850.5 and 1 more transcripts); short protein forms P124L, P234L, P187L.
Identifiers: ClinVar variation 2953029 (VCV002953029.3), dbSNP rs755552169, ClinGen allele CA7191719.

ClinVar aggregate classification (germline): Uncertain significance (1 of 4 stars; one submission).

Conditions:
Microphthalmia with brain and digit anomalies (MCOPS6). Also called: MICROPHTHALMIA AND PITUITARY ANOMALIES; Microphthalmia, syndromic 6. Identifiers: Orphanet 139471, MedGen C1864689, MONDO:0011936, OMIM 607932.
Orofacial cleft 11 (OFC11). Also called: Orofacial cleft 11; ofc11; CLEFT LIP WITH OR WITHOUT CLEFT PALATE, NONSYNDROMIC, 11. Identifiers: MedGen C2677434, MONDO:0010906, OMIM 600625.

Allele frequency attached by ClinVar (database versions not stated): TOPMed below 0.00001; ExAC 0.00001; gnomAD exomes 0.00001.
gnomAD v4.1: 9 of 1,614,184 alleles (0.00056%); highest among the groups gnomAD compares: Non-Finnish European, 0.00076%; no homozygotes.

Submission:

Labcorp Genetics (formerly Invitae), Labcorp
Classification: Uncertain significance for Microphthalmia with brain and digit anomalies; Orofacial cleft 11. Last evaluated: 2025-09-08. Review status: criteria provided, single submitter. Criteria: Invitae Variant Classification Sherloc (09022015). Collection method: clinical testing. Allele origin: germline.
Comment: This sequence change replaces proline, which is neutral and non-polar, with leucine, which is neutral and non-polar, at codon 187 of the BMP4 protein (p.Pro187Leu). This variant is present in population databases (rs755552169, gnomAD 0.006%). This variant has not been reported in the literature in individuals affected with BMP4-related conditions. ClinVar contains an entry for this variant (Variation ID: 2953029). Invitae Evidence Modeling of protein sequence and biophysical properties (such as structural, functional, and spatial information, amino acid conservation, physicochemical variation, residue mobility, and thermodynamic stability) indicates that this missense variant is not expected to disrupt BMP4 protein function with a negative predictive value of 80%. In summary, the available evidence is currently insufficient to determine the role of this variant in disease. Therefore, it has been classified as a Variant of Uncertain Significance.